The following is an entry in ClinVar:

NM_001042492.3(NF1):c.1849_1850delinsTA (p.Ala617Ter)

Gene: NF1 (neurofibromin 1; plus strand). Cytogenetic location: 17q11.2.
Variant type: Indel.
Coding change: c.1849_1850delinsTA on transcript NM_001042492.3 (MANE Select); coding-DNA positions 1849 to 1850, GC replaced by TA.
Protein change: p.Ala617Ter; replaces alanine 617 with a stop codon.
Molecular consequence: nonsense.
Genome position (GRCh38, 1-based): chr17:31,225,098-31,225,099, GC replaced by TA. VCF-style: chr17-31225098-GC-TA. GRCh37 (hg19) VCF-style: chr17-29552116-GC-TA.
Other names: c.1849_1850delGCinsTA, p.Ala617Ter (NM_000267.4); short protein forms A617*.
Identifiers: ClinVar variation 846124 (VCV000846124.6), dbSNP rs2066989409, ClinGen allele CA916080577.

ClinVar aggregate classification (germline): Pathogenic (1 of 4 stars; one submission).

Conditions:
Neurofibromatosis, type 1 (NF1). Also called: Peripheral type neurofibromatosis; VON RECKLINGHAUSEN DISEASE; Neurofibromatosis, type I; NEUROFIBROMATOSIS, TYPE I, SOMATIC. Identifiers: Orphanet 636, MedGen C0027831, MONDO:0018975, OMIM 162200. Disease mechanism: loss of function.

Submission:

Labcorp Genetics (formerly Invitae), Labcorp
Classification: Pathogenic for Neurofibromatosis, type 1. Last evaluated: 2019-11-22. Review status: criteria provided, single submitter. Criteria: Invitae Variant Classification Sherloc (09022015). Collection method: clinical testing. Allele origin: germline.
Comment: This sequence change creates a premature translational stop signal (p.Ala617*) in the NF1 gene. It is expected to result in an absent or disrupted protein product. This variant is not present in population databases (ExAC no frequency). This variant has been observed in individual(s) with clinical features of NF1 (Invitae). Algorithms developed to predict the effect of sequence changes on RNA splicing suggest that this variant may create or strengthen a splice site, but this prediction has not been confirmed by published transcriptional studies. Loss-of-function variants in NF1 are known to be pathogenic (PMID: 10712197, 23913538). For these reasons, this variant has been classified as Pathogenic.

Literature cited by the submitters: PubMed 10712197; PubMed 23913538.